The following is an entry in ClinVar:

NM_001205293.3(CACNA1E):c.6741G>A (p.Glu2247=)

Gene: CACNA1E (calcium voltage-gated channel subunit alpha1 E; plus strand). Cytogenetic location: 1q25.3.
Variant type: single nucleotide variant.
Coding change: c.6741G>A on transcript NM_001205293.3 (MANE Select); coding-DNA position 6741, G replaced by A.
Protein change: p.Glu2247=; no amino-acid change (glutamic acid 2247 retained).
Molecular consequence: synonymous variant.
Genome position (GRCh38, 1-based): chr1:181,798,633, G>A. VCF-style: chr1-181798633-G-A. GRCh37 (hg19) VCF-style: chr1-181767769-G-A.
Other names: c.6612G>A, p.Glu2204= (NM_000721.4); c.6555G>A, p.Glu2185= (NM_001205294.2); c.6612G>A (NM_000721.3).
Identifiers: ClinVar variation 1975899 (VCV001975899.6), dbSNP rs1462979230, ClinGen allele CA422282069.

ClinVar aggregate classification (germline): Conflicting classifications of pathogenicity. Review status: criteria provided, conflicting classifications (1 of 4 stars). 2 submissions from 2 submitters: Uncertain significance (1); Likely benign (1). Last evaluated 2025-12-13.

Allele frequency attached by ClinVar (database versions not stated): gnomAD 0.00001; gnomAD exomes below 0.00001; TOPMed 0.00001.
gnomAD v4.1: 3 of 1,611,200 alleles (0.00019%); highest among the groups gnomAD compares: African/African-American, 0.0027%; no homozygotes.

Submissions (2):

Labcorp Genetics (formerly Invitae), Labcorp
Classification: Likely benign. Last evaluated: 2025-12-13. Review status: criteria provided, single submitter. Criteria: Invitae Variant Classification Sherloc (09022015). Collection method: clinical testing. Allele origin: germline.

GeneDx
Classification: Uncertain significance. Last evaluated: 2023-11-03. Review status: criteria provided, single submitter. Criteria: GeneDx Variant Classification Process June 2021. Collection method: clinical testing. Allele origin: germline. Affected: yes.
Comment: Not observed at significant frequency in large population cohorts (gnomAD); In silico analysis supports that this variant does not alter splicing; Has not been previously published as pathogenic or benign to our knowledge